The following is an entry in ClinVar:

NM_015272.5(RPGRIP1L):c.2630T>C (p.Ile877Thr)

Gene: RPGRIP1L (RPGRIP1 like; minus strand). Cytogenetic location: 16q12.2.
Variant type: single nucleotide variant.
Coding change: c.2630T>C on transcript NM_015272.5 (MANE Select); coding-DNA position 2630, T replaced by C.
Protein change: p.Ile877Thr; replaces isoleucine 877 with threonine.
Molecular consequence: missense variant.
Genome position (GRCh38, 1-based): chr16:53,645,678, A>G on the plus strand (T>C on the coding strand, the complement: RPGRIP1L is on the minus strand). VCF-style: chr16-53645678-A-G. GRCh37 (hg19) VCF-style: chr16-53679590-A-G.
Other names: c.2630T>C, p.Ile877Thr (NM_001127897.4, NM_001308334.3, NM_001330538.2); short protein forms I877T.
Identifiers: ClinVar variation 1042389 (VCV001042389.7), dbSNP rs756072167, ClinGen allele CA8057512.

ClinVar aggregate classification (germline): Uncertain significance. Review status: criteria provided, single submitter (1 of 4 stars). 2 submissions from 2 submitters: Uncertain significance (1). 1 of the submissions does not count toward it. Last evaluated 2021-09-02.

Conditions:
Joubert syndrome. Also called: Familial aplasia of the vermis; CEREBELLOPARENCHYMAL DISORDER IV; JOUBERT-BOLTSHAUSER SYNDROME. Identifiers: Orphanet 475, MedGen C5979921, MONDO:0018772.
Meckel-Gruber syndrome. Also called: Dysencephalia splachnocystica; DYSENCEPHALIA SPLANCHNOCYSTICA; GRUBER SYNDROME. Identifiers: Orphanet 564, MedGen C0265215, MONDO:0018921.

Allele frequency attached by ClinVar (database versions not stated): gnomAD below 0.00001 and 0.00001; TOPMed below 0.00001; gnomAD exomes 0.00001; ExAC 0.00002.

Submissions (2):

Labcorp Genetics (formerly Invitae), Labcorp
Classification: Uncertain significance for Joubert syndrome; Meckel-Gruber syndrome. Last evaluated: 2021-09-02. Review status: criteria provided, single submitter. Criteria: Invitae Variant Classification Sherloc (09022015). Collection method: clinical testing. Allele origin: germline.
Comment: This sequence change replaces isoleucine with threonine at codon 877 of the RPGRIP1L protein (p.Ile877Thr). The isoleucine residue is moderately conserved and there is a moderate physicochemical difference between isoleucine and threonine. This variant is present in population databases (rs756072167, ExAC 0.01%). This variant has not been reported in the literature in individuals affected with RPGRIP1L-related conditions. Algorithms developed to predict the effect of missense changes on protein structure and function (SIFT, PolyPhen-2, Align-GVGD) all suggest that this variant is likely to be disruptive. In summary, the available evidence is currently insufficient to determine the role of this variant in disease. Therefore, it has been classified as a Variant of Uncertain Significance.

Natera, Inc.
Classification: Uncertain significance for Joubert syndrome. Last evaluated: 2020-06-02. Review status: no assertion criteria provided. Collection method: clinical testing. Allele origin: germline. Not counted in ClinVar's aggregate classification.